The following is an entry in ClinVar:

NM_001303052.2(MYT1L):c.3080+4214T>C

Gene: MYT1L (myelin transcription factor 1 like; minus strand). Cytogenetic location: 2p25.3.
Variant type: single nucleotide variant.
Coding change: c.3080+4214T>C on transcript NM_001303052.2 (MANE Select); 4214 bases into the intron after coding-DNA position 3080, T replaced by C.
Molecular consequence: intron variant.
Genome position (GRCh38, 1-based): chr2:1,834,935, A>G on the plus strand (T>C on the coding strand, the complement: MYT1L is on the minus strand). VCF-style: chr2-1834935-A-G. GRCh37 (hg19) VCF-style: chr2-1838707-A-G.
Other names: c.3074+4214T>C (NM_015025.4, NM_001329847.2, NM_001329848.1 and 3 more transcripts); c.3080+4214T>C (NM_001329844.2, NM_001329845.1, NM_001329851.3).
Identifiers: ClinVar variation 1675762 (VCV001675762.33), dbSNP rs139756846, ClinGen allele CA41397098.

ClinVar aggregate classification (germline): Benign (1 of 4 stars; one submission).

Allele frequency attached by ClinVar (database versions not stated): gnomAD 0.00165 and 0.00195; 1000 Genomes Project 0.00799.
gnomAD v4.1: 218 of 109,852 alleles (0.2%); highest among the groups gnomAD compares: East Asian, 1.3%; 16 homozygotes.

Submission:

CeGaT Center for Human Genetics Tuebingen
Classification: Benign. Last evaluated: 2023-03-01. Review status: criteria provided, single submitter. Criteria: CeGaT Center For Human Genetics Tuebingen Variant Classification Criteria Version 2. Collection method: clinical testing. Allele origin: germline. Affected: yes. Observed: 4 variant alleles.
Comment: MYT1L: BS1, BS2